The following is an entry in ClinVar:

ClinVar aggregate classification (germline): Pathogenic. Review status: criteria provided, multiple submitters, no conflicts (2 of 4 stars). 4 submissions from 4 submitters: Pathogenic (4). Last evaluated 2024-06-05.

Conditions:
Nephrotic syndrome, type 2 (NPHS2). Also called: NEPHROTIC SYNDROME, STEROID-RESISTANT, AUTOSOMAL RECESSIVE. Identifiers: Orphanet 656, MedGen C1868672, MONDO:0010974, OMIM 600995.
Idiopathic nephrotic syndrome. Also called: Nephrotic syndrome, idiopathic, steroid-resistant. Identifiers: Orphanet 357502, MedGen C3496337, MONDO:0018170.

Allele frequency attached by ClinVar (database versions not stated): gnomAD exomes 0.00001 and 0.00002; ExAC 0.00007.
gnomAD v4.1: 9 of 1,591,756 alleles (0.00057%); highest among the groups gnomAD compares: Admixed American, 0.0034%; no homozygotes.

Submissions (4):

Fulgent Genetics
Classification: Pathogenic for Nephrotic syndrome, type 2. Last evaluated: 2024-06-05. Review status: criteria provided, single submitter. Criteria: ACMG Guidelines, 2015. Collection method: clinical testing. Allele origin: germline.

Labcorp Genetics (formerly Invitae), Labcorp
Classification: Pathogenic. Last evaluated: 2024-03-13. Review status: criteria provided, single submitter. Criteria: Invitae Variant Classification Sherloc (09022015). Collection method: clinical testing. Allele origin: germline.
Comment: This sequence change replaces leucine, which is neutral and non-polar, with proline, which is neutral and non-polar, at codon 169 of the NPHS2 protein (p.Leu169Pro). The frequency data for this variant in the population databases is considered unreliable, as metrics indicate poor data quality at this position in the gnomAD database. This missense change has been observed in individuals with nephrotic syndrome (PMID: 11729243, 12707396, 14978175, 18216321, 32129207). ClinVar contains an entry for this variant (Variation ID: 1439693). Advanced modeling of protein sequence and biophysical properties (such as structural, functional, and spatial information, amino acid conservation, physicochemical variation, residue mobility, and thermodynamic stability) performed at Invitae indicates that this missense variant is not expected to disrupt NPHS2 protein function with a negative predictive value of 80%. For these reasons, this variant has been classified as Pathogenic.

Genome-Nilou Lab
Classification: Pathogenic for Nephrotic syndrome, type 2. Last evaluated: 2023-04-11. Review status: criteria provided, single submitter. Criteria: ACMG Guidelines, 2015. Collection method: clinical testing. Allele origin: germline. Affected: no.

Women's Health and Genetics/Laboratory Corporation of America, LabCorp
Classification: Pathogenic for Idiopathic nephrotic syndrome. Last evaluated: 2022-06-06. Review status: criteria provided, single submitter. Criteria: LabCorp Variant Classification Summary - May 2015. Collection method: clinical testing. Allele origin: germline.
Comment: Variant summary: NPHS2 c.506T>C (p.Leu169Pro) results in a non-conservative amino acid change located in the Band 7 domain (IPR001107) of the encoded protein sequence. Four of five in-silico tools predict a damaging effect of the variant on protein function. The variant allele was found at a frequency of 1.8e-05 in 220918 control chromosomes (gnomAD). The variant, c.506T>C, has been reported in the literature in multiple homozygous and compound heterozygous individuals affected with Nephrotic Syndrome, Type 2 (e.g. Caridi_2001, Ruf_2004, Hinkes_2007, Caridi_2009, Santin_2011, Baylarov_2020). These data indicate that the variant is very likely to be associated with disease. To our knowledge, no experimental evidence demonstrating an impact on protein function has been reported. One clinical diagnostic laboratory has submitted clinical-significance assessments for this variant to ClinVar after 2014 without evidence for independent evaluation, and classified the variant as pathogenic/likely pathogenic. Based on the evidence outlined above, the variant was classified as pathogenic.

Literature cited by the submitters: PubMed 11729243 (cited by Labcorp Genetics (formerly Invitae), Labcorp and Women's Health and Genetics/Laboratory Corporation of America, LabCorp); PubMed 12707396 (cited by Labcorp Genetics (formerly Invitae), Labcorp); PubMed 14978175 (cited by Labcorp Genetics (formerly Invitae), Labcorp and Women's Health and Genetics/Laboratory Corporation of America, LabCorp); PubMed 18216321 (cited by Labcorp Genetics (formerly Invitae), Labcorp and Women's Health and Genetics/Laboratory Corporation of America, LabCorp); PubMed 32129207 (cited by Labcorp Genetics (formerly Invitae), Labcorp and Women's Health and Genetics/Laboratory Corporation of America, LabCorp); PubMed 19406966 (cited by Women's Health and Genetics/Laboratory Corporation of America, LabCorp); PubMed 20947785 (cited by Women's Health and Genetics/Laboratory Corporation of America, LabCorp); PubMed 21415313 (cited by Women's Health and Genetics/Laboratory Corporation of America, LabCorp).

NM_014625.4(NPHS2):c.506T>C (p.Leu169Pro)

Gene: NPHS2 (NPHS2 stomatin family member, podocin; minus strand). Cytogenetic location: 1q25.2.
Variant type: single nucleotide variant.
Coding change: c.506T>C on transcript NM_014625.4 (MANE Select); coding-DNA position 506, T replaced by C.
Protein change: p.Leu169Pro; replaces leucine 169 with proline.
Molecular consequence: missense variant.
Genome position (GRCh38, 1-based): chr1:179,559,707, A>G on the plus strand (T>C on the coding strand, the complement: NPHS2 is on the minus strand). VCF-style: chr1-179559707-A-G. GRCh37 (hg19) VCF-style: chr1-179528842-A-G.
Other names: c.506T>C, p.Leu169Pro (NM_001297575.2); short protein forms L169P.
Identifiers: ClinVar variation 1439693 (VCV001439693.13), dbSNP rs762336297, ClinGen allele CA1267198.
Genomic context (GRCh38, chr1:179,559,707, plus strand): 5'-ATAGAGAAAGCAAAAGCCATCATTTGGCTTACCTCATGAAAAGGTATCTCCAGAGTTTGG[A>G]GACGAAGGTCAACCTTGTGGTAGGTATCCAGGCAGGGCAAAAAAAAGAAAAGACCTAAAA-3'
Protein context (NP_055440.1, residues 159-179): LDTYHKVDLR[Leu169Pro]QTLEIPFHEI